The following is an entry in ClinVar:

NM_005633.4(SOS1):c.3758C>G (p.Pro1253Arg)

Gene: SOS1 (SOS Ras/Rac guanine nucleotide exchange factor 1; minus strand). Cytogenetic location: 2p22.1.
Variant type: single nucleotide variant.
Coding change: c.3758C>G on transcript NM_005633.4 (MANE Select); coding-DNA position 3758, C replaced by G.
Protein change: p.Pro1253Arg; replaces proline 1253 with arginine.
Molecular consequence: missense variant.
Genome position (GRCh38, 1-based): chr2:38,986,068, G>C on the plus strand (C>G on the coding strand, the complement: SOS1 is on the minus strand). VCF-style: chr2-38986068-G-C. GRCh37 (hg19) VCF-style: chr2-39213209-G-C.
Other names: c.3737C>G, p.Pro1246Arg (NM_001382394.1); c.3713C>G, p.Pro1238Arg (NM_001382395.1); short protein forms P1238R, P1246R, P1253R.
Identifiers: ClinVar variation 3224896 (VCV003224896.1), dbSNP rs772527384, ClinGen allele CA346362371.

ClinVar aggregate classification (germline): Uncertain significance (1 of 4 stars; one submission).

Conditions:
Cardiovascular phenotype. Identifiers: MedGen CN230736.

Allele frequency attached by ClinVar (database versions not stated): gnomAD 0.00001.
gnomAD v4.1: 1 of 1,613,828 alleles (0.000062%); highest among the groups gnomAD compares: African/African-American, 0.0013%; no homozygotes.

Submission:

Ambry Genetics
Classification: Uncertain significance for Cardiovascular phenotype. Last evaluated: 2023-11-26. Review status: criteria provided, single submitter. Criteria: Ambry Variant Classification Scheme 2023. Collection method: clinical testing. Allele origin: germline.
Comment: The p.P1253R variant (also known as c.3758C>G), located in coding exon 23 of the SOS1 gene, results from a C to G substitution at nucleotide position 3758. The proline at codon 1253 is replaced by arginine, an amino acid with dissimilar properties. This amino acid position is conserved. In addition, the in silico prediction for this alteration is inconclusive. Since supporting evidence is limited at this time, the clinical significance of this alteration remains unclear.